The following is an entry in ClinVar:

ClinVar aggregate classification (germline): Uncertain significance. Review status: criteria provided, multiple submitters, no conflicts (2 of 4 stars). 2 submissions from 2 submitters: Uncertain significance (2). Last evaluated 2024-09-20.

Conditions:
Inborn genetic diseases. Identifiers: MedGen C0950123, MeSH D030342.

Allele frequency attached by ClinVar (database versions not stated): gnomAD 0.00001; TOPMed 0.00002.
gnomAD v4.1: 3 of 1,613,518 alleles (0.00019%); highest among the groups gnomAD compares: Non-Finnish European, 0.00025%; no homozygotes.

Submissions (2):

Ambry Genetics
Classification: Uncertain significance for Inborn genetic diseases. Last evaluated: 2024-09-20. Review status: criteria provided, single submitter. Criteria: Ambry Variant Classification Scheme 2023. Collection method: clinical testing. Allele origin: germline.

Labcorp Genetics (formerly Invitae), Labcorp
Classification: Uncertain significance. Last evaluated: 2022-03-12. Review status: criteria provided, single submitter. Criteria: Invitae Variant Classification Sherloc (09022015). Collection method: clinical testing. Allele origin: germline.
Comment: In summary, the available evidence is currently insufficient to determine the role of this variant in disease. Therefore, it has been classified as a Variant of Uncertain Significance. Algorithms developed to predict the effect of missense changes on protein structure and function are either unavailable or do not agree on the potential impact of this missense change (SIFT: "Deleterious"; PolyPhen-2: "Benign"; Align-GVGD: "Class C0"). This variant has not been reported in the literature in individuals affected with TUBGCP6-related conditions. This variant is present in population databases (no rsID available, gnomAD 0.007%). This sequence change replaces serine, which is neutral and polar, with leucine, which is neutral and non-polar, at codon 62 of the TUBGCP6 protein (p.Ser62Leu).

NM_020461.4(TUBGCP6):c.185C>T (p.Ser62Leu)

Gene: TUBGCP6 (tubulin gamma complex component 6; minus strand). Cytogenetic location: 22q13.33.
Variant type: single nucleotide variant.
Coding change: c.185C>T on transcript NM_020461.4 (MANE Select); coding-DNA position 185, C replaced by T.
Protein change: p.Ser62Leu; replaces serine 62 with leucine.
Molecular consequence: missense variant.
Genome position (GRCh38, 1-based): chr22:50,244,275, G>A on the plus strand (C>T on the coding strand, the complement: TUBGCP6 is on the minus strand). VCF-style: chr22-50244275-G-A. GRCh37 (hg19) VCF-style: chr22-50682704-G-A.
Other names: c.185C>T (NM_020461.3); short protein forms S62L.
Identifiers: ClinVar variation 1977276 (VCV001977276.6), dbSNP rs926879920, ClinGen allele CA325485736.